The following is an entry in ClinVar:

ClinVar aggregate classification (germline): Uncertain significance. Review status: criteria provided, multiple submitters, no conflicts (2 of 4 stars). 3 submissions from 3 submitters: Uncertain significance (3). Last evaluated 2026-01-20.

Conditions:
Charcot-Marie-Tooth disease type 4. Also called: Charcot-Marie-Tooth disease, type IV; Charcot-Marie-Tooth, Type 4. Identifiers: Orphanet 64749, MedGen C4082197, MONDO:0018995.

gnomAD v4.1: 9 of 1,614,104 alleles (0.00056%); highest among the groups gnomAD compares: South Asian, 0.0044%; no homozygotes.

Submissions (3):

Women's Health and Genetics/Laboratory Corporation of America, LabCorp
Classification: Uncertain significance. Last evaluated: 2026-01-20. Review status: criteria provided, single submitter. Criteria: LabCorp Variant Classification Summary - May 2015. Collection method: clinical testing. Allele origin: germline.
Comment: Variant summary: SH3TC2 c.1106G>T (p.Arg369Leu) results in a non-conservative amino acid change in the encoded protein sequence. Algorithms developed to predict the effect of missense changes on protein structure and function are either unavailable or do not agree on the potential impact of this missense change. The variant allele was found at a frequency of 8e-06 in 251464 control chromosomes. The available data on variant occurrences in the general population are insufficient to allow any conclusion about variant significance. To our knowledge, no occurrence of c.1106G>T in individuals affected with SH3TC2-related conditions and no experimental evidence demonstrating its impact on protein function have been reported. ClinVar contains an entry for this variant (Variation ID: 872416). Based on the evidence outlined above, the variant was classified as uncertain significance.

Labcorp Genetics (formerly Invitae), Labcorp
Classification: Uncertain significance for Charcot-Marie-Tooth disease type 4. Last evaluated: 2020-07-30. Review status: criteria provided, single submitter. Criteria: Invitae Variant Classification Sherloc (09022015). Collection method: clinical testing. Allele origin: germline.
Comment: In summary, the available evidence is currently insufficient to determine the role of this variant in disease. Therefore, it has been classified as a Variant of Uncertain Significance. Advanced modeling of protein sequence and biophysical properties (such as structural, functional, and spatial information, amino acid conservation, physicochemical variation, residue mobility, and thermodynamic stability) performed at Invitae indicates that this missense variant is not expected to disrupt SH3TC2 protein function. This variant has not been reported in the literature in individuals with SH3TC2-related conditions. This variant is present in population databases (rs551803988, ExAC 0.006%). This sequence change replaces arginine with leucine at codon 369 of the SH3TC2 protein (p.Arg369Leu). The arginine residue is weakly conserved and there is a moderate physicochemical difference between arginine and leucine.

CeGaT Center for Human Genetics Tuebingen
Classification: Uncertain significance. Last evaluated: 2019-10-01. Review status: criteria provided, single submitter. Criteria: CeGaT Center For Human Genetics Tuebingen Variant Classification Criteria Version 2. Collection method: clinical testing. Allele origin: germline. Affected: yes. Observed: 1 variant allele.

NM_024577.4(SH3TC2):c.1106G>T (p.Arg369Leu)

Gene: SH3TC2 (SH3 domain and tetratricopeptide repeats 2; minus strand). Cytogenetic location: 5q32.
Variant type: single nucleotide variant.
Coding change: c.1106G>T on transcript NM_024577.4 (MANE Select); coding-DNA position 1106, G replaced by T.
Protein change: p.Arg369Leu; replaces arginine 369 with leucine.
Molecular consequence: missense variant.
Genome position (GRCh38, 1-based): chr5:149,031,583, C>A on the plus strand (G>T on the coding strand, the complement: SH3TC2 is on the minus strand). VCF-style: chr5-149031583-C-A. GRCh37 (hg19) VCF-style: chr5-148411146-C-A.
Other names: short protein forms R369L.
Identifiers: ClinVar variation 872416 (VCV000872416.48), dbSNP rs551803988, ClinGen allele CA3499291.